The following is an entry in ClinVar:

ClinVar aggregate classification (germline): Uncertain significance. Review status: criteria provided, multiple submitters, no conflicts (2 of 4 stars). 2 submissions from 2 submitters: Uncertain significance (2). Last evaluated 2020-05-01.

Conditions:
Hereditary cancer-predisposing syndrome. Also called: Hereditary Cancer Syndrome; Neoplastic Syndromes, Hereditary; Tumor predisposition; Hereditary neoplastic syndrome. Identifiers: Orphanet 140162, MedGen C0027672, MeSH D009386, MONDO:0015356.
Ataxia-telangiectasia syndrome (AT). Also called: Cerebello-oculocutaneous telangiectasia; Immunodeficiency with ataxia telangiectasia; Ataxia-telangiectasia, complementation group E; Ataxia-telangiectasia, complementation group D; AT, COMPLEMENTATION GROUP C; ATAXIA-TELANGIECTASIA, COMPLEMENTATION GROUP A. Identifiers: Orphanet 100, MedGen C0004135, MONDO:0008840, OMIM 208900.

Submissions (2):

Ambry Genetics
Classification: Uncertain significance for Hereditary cancer-predisposing syndrome. Last evaluated: 2020-05-01. Review status: criteria provided, single submitter. Criteria: Ambry Variant Classification Scheme 2023. Collection method: clinical testing. Allele origin: germline.
Comment: The p.I2628L variant (also known as c.7882A>C), located in coding exon 52 of the ATM gene, results from an A to C substitution at nucleotide position 7882. The isoleucine at codon 2628 is replaced by leucine, an amino acid with highly similar properties. This amino acid position is highly conserved in available vertebrate species. In addition, the in silico prediction for this alteration is inconclusive. Since supporting evidence is limited at this time, the clinical significance of this alteration remains unclear.

Labcorp Genetics (formerly Invitae), Labcorp
Classification: Uncertain significance for Ataxia-telangiectasia syndrome. Last evaluated: 2018-04-27. Review status: criteria provided, single submitter. Criteria: Invitae Variant Classification Sherloc (09022015). Collection method: clinical testing. Allele origin: germline.
Comment: In summary, the available evidence is currently insufficient to determine the role of this variant in disease. Therefore, it has been classified as a Variant of Uncertain Significance. Algorithms developed to predict the effect of missense changes on protein structure and function do not agree on the potential impact of this missense change (SIFT: "Tolerated"; PolyPhen-2: "Possibly Damaging"; Align-GVGD: "Class C0"). This sequence change replaces isoleucine with leucine at codon 2628 of the ATM protein (p.Ile2628Leu). The isoleucine residue is highly conserved and there is a small physicochemical difference between isoleucine and leucine. This variant is not present in population databases (ExAC no frequency). This variant has not been reported in the literature in individuals with ATM-related disease.

NM_000051.4(ATM):c.7882A>C (p.Ile2628Leu)

Genes: ATM (ATM serine/threonine kinase; plus strand), C11orf65 (chromosome 11 open reading frame 65; minus strand). Cytogenetic location: 11q22.3.
Variant type: single nucleotide variant.
Coding change: c.7882A>C on transcript NM_000051.4 (MANE Select); coding-DNA position 7882, A replaced by C.
Protein change: p.Ile2628Leu; replaces isoleucine 2628 with leucine.
Molecular consequence: missense variant. On other transcripts: intron variant (2).
Genome position (GRCh38, 1-based): chr11:108,332,855, A>C. VCF-style: chr11-108332855-A-C. GRCh37 (hg19) VCF-style: chr11-108203582-A-C.
Other names: c.7882A>C, p.Ile2628Leu (NM_001351834.2); c.641-23784T>G (NM_001330368.2); c.*38+2365T>G (NM_001351110.2); short protein forms I2628L.
Identifiers: ClinVar variation 577209 (VCV000577209.11), dbSNP rs587781370, ClinGen allele CA382561435.